The following is an entry in ClinVar:

NM_206933.4(USH2A):c.6751T>A (p.Ser2251Thr)

Gene: USH2A (usherin; minus strand). Cytogenetic location: 1q41.
Variant type: single nucleotide variant.
Coding change: c.6751T>A on transcript NM_206933.4 (MANE Select); coding-DNA position 6751, T replaced by A.
Protein change: p.Ser2251Thr; replaces serine 2251 with threonine.
Molecular consequence: missense variant.
Genome position (GRCh38, 1-based): chr1:215,993,074, A>T on the plus strand (T>A on the coding strand, the complement: USH2A is on the minus strand). VCF-style: chr1-215993074-A-T. GRCh37 (hg19) VCF-style: chr1-216166416-A-T.
Other names: short protein forms S2251T.
Identifiers: ClinVar variation 1054782 (VCV001054782.11), dbSNP rs750302027, ClinGen allele CA1395044.
Genomic context (GRCh38, chr1:215,993,074, plus strand): 5'-ACTTACCATTCGGATATTCAGGCTCAGTCCAGGAGACATTAAAGGAGTCAGGTGAATATG[A>T]GTGGGCTTTGGGGGCTGGCACGCCTTCGGGTATGTCCTCGTCAGTTAGGGCCTCACTGGC-3'
Protein context (NP_996816.3, residues 2241-2261): PEGVPAPKAH[Ser2251Thr]YSPDSFNVSW

ClinVar aggregate classification (germline): Uncertain significance. Review status: criteria provided, multiple submitters, no conflicts (2 of 4 stars). 7 submissions from 6 submitters: Uncertain significance (6). 1 of the submissions does not count toward it. Last evaluated 2024-09-12.

Conditions:
Retinitis pigmentosa 39 (RP39). Identifiers: Orphanet 791, MedGen C3151138, MONDO:0013436, OMIM 613809.
Usher syndrome type 2A. Also called: RETINAL DISEASE IN USHER SYNDROME TYPE IIA, MODIFIER OF; USHER SYNDROME, TYPE IIA. Identifiers: Orphanet 231178, Orphanet 886, MedGen C1848634, MONDO:0010169, OMIM 276901.
Inborn genetic diseases. Identifiers: MedGen C0950123, MeSH D030342.

Allele frequency attached by ClinVar (database versions not stated): ExAC 0.00001; gnomAD exomes 0.00001; TOPMed 0.00002.
gnomAD v4.1: 20 of 1,614,082 alleles (0.0012%); highest among the groups gnomAD compares: Non-Finnish European, 0.0016%; no homozygotes.

Submissions (7):

Blueprint Genetics
Classification: Uncertain significance. Last evaluated: 2024-09-12. Review status: criteria provided, single submitter. Criteria: ACMG Guidelines, 2015. Collection method: clinical testing. Allele origin: germline.

Labcorp Genetics (formerly Invitae), Labcorp
Classification: Uncertain significance. Last evaluated: 2024-03-12. Review status: criteria provided, single submitter. Criteria: Invitae Variant Classification Sherloc (09022015). Collection method: clinical testing. Allele origin: germline.
Comment: This sequence change replaces serine, which is neutral and polar, with threonine, which is neutral and polar, at codon 2251 of the USH2A protein (p.Ser2251Thr). This variant is present in population databases (rs750302027, gnomAD 0.002%). This variant has not been reported in the literature in individuals affected with USH2A-related conditions. ClinVar contains an entry for this variant (Variation ID: 1054782). Advanced modeling of protein sequence and biophysical properties (such as structural, functional, and spatial information, amino acid conservation, physicochemical variation, residue mobility, and thermodynamic stability) performed at Invitae indicates that this missense variant is not expected to disrupt USH2A protein function with a negative predictive value of 95%. In summary, the available evidence is currently insufficient to determine the role of this variant in disease. Therefore, it has been classified as a Variant of Uncertain Significance.

Ambry Genetics
Classification: Uncertain significance for Inborn genetic diseases. Last evaluated: 2024-01-02. Review status: criteria provided, single submitter. Criteria: Ambry Variant Classification Scheme 2023. Collection method: clinical testing. Allele origin: germline.

Genome-Nilou Lab
Classification: Uncertain significance for Retinitis pigmentosa 39. Last evaluated: 2023-11-04. Review status: criteria provided, single submitter. Criteria: ACMG Guidelines, 2015. Collection method: clinical testing. Allele origin: germline. Affected: no.

Genome-Nilou Lab
Classification: Uncertain significance for Usher syndrome type 2A. Last evaluated: 2023-11-04. Review status: criteria provided, single submitter. Criteria: ACMG Guidelines, 2015. Collection method: clinical testing. Allele origin: germline. Affected: no.

GeneDx
Classification: Uncertain significance. Last evaluated: 2021-07-14. Review status: criteria provided, single submitter. Criteria: GeneDx Variant Classification Process June 2021. Collection method: clinical testing. Allele origin: germline. Affected: yes.
Comment: Not observed at a significant frequency in large population cohorts (Lek et al., 2016); In silico analysis supports that this missense variant does not alter protein structure/function; Has not been previously published as pathogenic or benign to our knowledge; This variant is associated with the following publications: (PMID: 27535533)

Natera, Inc.
Classification: Uncertain significance for Usher syndrome type 2A. Last evaluated: 2020-06-03. Review status: no assertion criteria provided. Collection method: clinical testing. Allele origin: germline. Not counted in ClinVar's aggregate classification.